The following is an entry in ClinVar:

ClinVar aggregate classification (germline): Uncertain significance (1 of 4 stars; one submission).

Allele frequency attached by ClinVar (database versions not stated): gnomAD exomes 0.00002 and 0.00005; ExAC 0.00006; gnomAD 0.00007 and 0.00009; TOPMed 0.00019; 1000 Genomes Project 30x 0.00031; 1000 Genomes Project 0.00040.
gnomAD v4.1: 49 of 1,606,120 alleles (0.0031%); highest among the groups gnomAD compares: Admixed American, 0.027%; no homozygotes.

Submission:

Labcorp Genetics (formerly Invitae), Labcorp
Classification: Uncertain significance. Last evaluated: 2024-07-29. Review status: criteria provided, single submitter. Criteria: Invitae Variant Classification Sherloc (09022015). Collection method: clinical testing. Allele origin: germline.
Comment: This sequence change replaces arginine, which is basic and polar, with glutamine, which is neutral and polar, at codon 1235 of the SKIV2L protein (p.Arg1235Gln). This variant is present in population databases (rs543924059, gnomAD 0.02%). This variant has not been reported in the literature in individuals affected with SKIV2L-related conditions. ClinVar contains an entry for this variant (Variation ID: 1448588). An algorithm developed to predict the effect of missense changes on protein structure and function (PolyPhen-2) suggests that this variant is likely to be disruptive. In summary, the available evidence is currently insufficient to determine the role of this variant in disease. Therefore, it has been classified as a Variant of Uncertain Significance.

NM_006929.5(SKIC2):c.3704G>A (p.Arg1235Gln)

Gene: SKIC2 (SKI2 subunit of superkiller complex; plus strand). Cytogenetic location: 6p21.33.
Variant type: single nucleotide variant.
Coding change: c.3704G>A on transcript NM_006929.5 (MANE Select); coding-DNA position 3704, G replaced by A.
Protein change: p.Arg1235Gln; replaces arginine 1235 with glutamine.
Molecular consequence: missense variant.
Genome position (GRCh38, 1-based): chr6:31,969,678, G>A. VCF-style: chr6-31969678-G-A. GRCh37 (hg19) VCF-style: chr6-31937455-G-A.
Other names: short protein forms R1235Q.
Identifiers: ClinVar variation 1448588 (VCV001448588.4), dbSNP rs543924059, ClinGen allele CA3730116.